The following is an entry in ClinVar:

NM_007186.6(CEP250):c.829G>T (p.Glu277Ter)

Gene: CEP250 (centrosomal protein 250; plus strand). Cytogenetic location: 20q11.22.
Variant type: single nucleotide variant.
Coding change: c.829G>T on transcript NM_007186.6 (MANE Select); coding-DNA position 829, G replaced by T.
Protein change: p.Glu277Ter; replaces glutamic acid 277 with a stop codon.
Molecular consequence: nonsense. On other transcripts: 5 prime UTR variant (1).
Genome position (GRCh38, 1-based): chr20:35,467,533, G>T. VCF-style: chr20-35467533-G-T. GRCh37 (hg19) VCF-style: chr20-34055358-G-T.
Other names: c.-1071G>T (NM_001318219.1); short protein forms E277*.
Identifiers: ClinVar variation 2033352 (VCV002033352.4), dbSNP rs758057228, ClinGen allele CA408756254.

ClinVar aggregate classification (germline): Pathogenic (1 of 4 stars; one submission).

Submission:

Labcorp Genetics (formerly Invitae), Labcorp
Classification: Pathogenic. Last evaluated: 2022-09-29. Review status: criteria provided, single submitter. Criteria: Invitae Variant Classification Sherloc (09022015). Collection method: clinical testing. Allele origin: germline.
Comment: For these reasons, this variant has been classified as Pathogenic. This variant has not been reported in the literature in individuals affected with CEP250-related conditions. This variant is not present in population databases (gnomAD no frequency). This sequence change creates a premature translational stop signal (p.Glu277*) in the CEP250 gene. It is expected to result in an absent or disrupted protein product. Loss-of-function variants in CEP250 are known to be pathogenic (PMID: 24780881, 29718797).

Literature cited by the submitters: PubMed 24780881; PubMed 29718797.